The following is an entry in ClinVar:

ClinVar aggregate classification (germline): Uncertain significance (1 of 4 stars; one submission).

gnomAD v4.1: 1 of 1,613,978 alleles (0.000062%); highest among the groups gnomAD compares: African/African-American, 0.0013%; no homozygotes.

Submission:

Women's Health and Genetics/Laboratory Corporation of America, LabCorp
Classification: Uncertain significance. Last evaluated: 2024-11-08. Review status: criteria provided, single submitter. Criteria: LabCorp Variant Classification Summary - May 2015. Collection method: clinical testing. Allele origin: germline.
Comment: Variant summary: SYNE1 c.7916C>T (p.Ala2639Val) results in a non-conservative amino acid change in the encoded protein sequence. Four of five in-silico tools predict a damaging effect of the variant on protein function. The variant allele was found at a frequency of 4e-06 in 250970 control chromosomes. The available data on variant occurrences in the general population are insufficient to allow any conclusion about variant significance. To our knowledge, no occurrence of c.7916C>T in individuals affected with Autosomal recessive ataxia, Beauce type or other SYNE1-related disorders and no experimental evidence demonstrating its impact on protein function have been reported. No submitters have cited clinical-significance assessments for this variant to ClinVar. Based on the evidence outlined above, the variant was classified as uncertain significance.

NM_182961.4(SYNE1):c.7895C>T (p.Ala2632Val)

Gene: SYNE1 (spectrin repeat containing nuclear envelope protein 1; minus strand). Cytogenetic location: 6q25.2.
Variant type: single nucleotide variant.
Coding change: c.7895C>T on transcript NM_182961.4 (MANE Select); coding-DNA position 7895, C replaced by T.
Protein change: p.Ala2632Val; replaces alanine 2632 with valine.
Molecular consequence: missense variant.
Genome position (GRCh38, 1-based): chr6:152,391,386, G>A on the plus strand (C>T on the coding strand, the complement: SYNE1 is on the minus strand). VCF-style: chr6-152391386-G-A. GRCh37 (hg19) VCF-style: chr6-152712521-G-A.
Other names: c.7916C>T, p.Ala2639Val (NM_033071.5); short protein forms A2632V, A2639V.
Identifiers: ClinVar variation 3629760 (VCV003629760.1).